The following is an entry in ClinVar:

NM_138694.4(PKHD1):c.8236G>T (p.Glu2746Ter)

Gene: PKHD1 (PKHD1 ciliary IPT domain containing fibrocystin/polyductin; minus strand). Cytogenetic location: 6p12.2.
Variant type: single nucleotide variant.
Coding change: c.8236G>T on transcript NM_138694.4 (MANE Select); coding-DNA position 8236, G replaced by T.
Protein change: p.Glu2746Ter; replaces glutamic acid 2746 with a stop codon.
Molecular consequence: nonsense.
Genome position (GRCh38, 1-based): chr6:51,830,927, C>A on the plus strand (G>T on the coding strand, the complement: PKHD1 is on the minus strand). VCF-style: chr6-51830927-C-A. GRCh37 (hg19) VCF-style: chr6-51695725-C-A.
Other names: c.8236G>T, p.Glu2746Ter (NM_170724.3); short protein forms E2746*.
Identifiers: ClinVar variation 4816765 (VCV004816765.1).

ClinVar aggregate classification (germline): Likely pathogenic (1 of 4 stars; one submission).

Conditions:
Autosomal recessive polycystic kidney disease (ARPKD). Also called: AR polycystic kidney disease. Identifiers: Orphanet 731, Orphanet 8378, MedGen C0085548, MeSH D017044, MONDO:0009889.

Submission:

Natera, Inc.
Classification: Likely pathogenic for Autosomal recessive polycystic kidney disease. Last evaluated: 2025-03-13. Review status: criteria provided, single submitter. Criteria: Natera Variant Classification Schema (03/2026). Collection method: clinical testing. Allele origin: germline.
Comment: The c.8236G>T variant in PKHD1 is a nonsense variant predicted to introduce a stop codon at amino acid 2746. This variant is expected to result in nonsense mediated decay, truncation, or a dysfunctional protein product. This variant is rare in the general population with a frequency below the threshold expected for the associated phenotype(s). Given the available evidence, this variant is classified as Likely Pathogenic.